The following is an entry in ClinVar:

ClinVar aggregate classification (germline): Uncertain significance. Review status: criteria provided, multiple submitters, no conflicts (2 of 4 stars). 2 submissions from 2 submitters: Uncertain significance (2). Last evaluated 2025-07-21.

Conditions:
Developmental and epileptic encephalopathy 94 (DEE94). Also called: CHD2-Related Neurodevelopmental Disorders; Epileptic encephalopathy, childhood-onset. Identifiers: Orphanet 1942, Orphanet 2382, MedGen C3809278, MONDO:0014150, OMIM 615369.

Allele frequency attached by ClinVar (database versions not stated): TOPMed 0.00002.

Submissions (2):

Labcorp Genetics (formerly Invitae), Labcorp
Classification: Uncertain significance for Developmental and epileptic encephalopathy 94. Last evaluated: 2025-07-21. Review status: criteria provided, single submitter. Criteria: Invitae Variant Classification Sherloc (09022015). Collection method: clinical testing. Allele origin: germline.
Comment: This sequence change replaces serine, which is neutral and polar, with alanine, which is neutral and non-polar, at codon 14 of the CHD2 protein (p.Ser14Ala). This variant is not present in population databases (gnomAD no frequency). This variant has not been reported in the literature in individuals affected with CHD2-related conditions. ClinVar contains an entry for this variant (Variation ID: 1017856). Invitae Evidence Modeling of protein sequence and biophysical properties (such as structural, functional, and spatial information, amino acid conservation, physicochemical variation, residue mobility, and thermodynamic stability) indicates that this missense variant is not expected to disrupt CHD2 protein function with a negative predictive value of 95%. In summary, the available evidence is currently insufficient to determine the role of this variant in disease. Therefore, it has been classified as a Variant of Uncertain Significance.

Revvity Omics, Revvity
Classification: Uncertain significance for Developmental and epileptic encephalopathy 94. Last evaluated: 2021-10-04. Review status: criteria provided, single submitter. Criteria: ACMG Guidelines, 2015. Collection method: clinical testing. Allele origin: germline.

NM_001271.4(CHD2):c.40T>G (p.Ser14Ala)

Gene: CHD2 (chromodomain helicase DNA binding protein 2; plus strand). Cytogenetic location: 15q26.1.
Variant type: single nucleotide variant.
Coding change: c.40T>G on transcript NM_001271.4 (MANE Select); coding-DNA position 40, T replaced by G.
Protein change: p.Ser14Ala; replaces serine 14 with alanine.
Molecular consequence: missense variant.
Genome position (GRCh38, 1-based): chr15:92,901,277, T>G. VCF-style: chr15-92901277-T-G. GRCh37 (hg19) VCF-style: chr15-93444507-T-G.
Other names: c.40T>G, p.Ser14Ala (NM_001042572.3); short protein forms S14A.
Identifiers: ClinVar variation 1017856 (VCV001017856.11), dbSNP rs2052525047, ClinGen allele CA393892416.